The following is an entry in ClinVar:

ClinVar aggregate classification (germline): Uncertain significance. Review status: criteria provided, multiple submitters, no conflicts (2 of 4 stars). 2 submissions from 2 submitters: Uncertain significance (2). Last evaluated 2021-12-31.

Conditions:
Retinoblastoma (RB1). Also called: RETINOBLASTOMA, SOMATIC. Identifiers: Orphanet 790, MedGen C0035335, MeSH D012175, MONDO:0008380, OMIM 180200, HP:0009919. Disease mechanism: loss of function. Inheritance: Both sporadic and heritable forms are tested..
Hereditary cancer-predisposing syndrome. Also called: Tumor predisposition; Hereditary Cancer Syndrome; Hereditary neoplastic syndrome; Neoplastic Syndromes, Hereditary. Identifiers: Orphanet 140162, MedGen C0027672, MeSH D009386, MONDO:0015356.

Submissions (2):

Ambry Genetics
Classification: Uncertain significance for Hereditary cancer-predisposing syndrome. Last evaluated: 2021-12-31. Review status: criteria provided, single submitter. Criteria: Ambry Variant Classification Scheme 2023. Collection method: clinical testing. Allele origin: germline.
Comment: The p.E492K variant (also known as c.1474G>A), located in coding exon 16 of the RB1 gene, results from a G to A substitution at nucleotide position 1474. The glutamic acid at codon 492 is replaced by lysine, an amino acid with similar properties. This amino acid position is highly conserved in available vertebrate species. In addition, this alteration is predicted to be deleterious by in silico analysis. Since supporting evidence is limited at this time, the clinical significance of this alteration remains unclear.

Labcorp Genetics (formerly Invitae), Labcorp
Classification: Uncertain significance for Retinoblastoma. Last evaluated: 2020-10-21. Review status: criteria provided, single submitter. Criteria: Invitae Variant Classification Sherloc (09022015). Collection method: clinical testing. Allele origin: germline.
Comment: This variant has not been reported in the literature in individuals with RB1-related disease. ClinVar contains an entry for this variant (Variation ID: 410935). This sequence change replaces glutamic acid with lysine at codon 492 of the RB1 protein (p.Glu492Lys). The glutamic acid residue is highly conserved and there is a small physicochemical difference between glutamic acid and lysine. This variant is not present in population databases (ExAC no frequency). Algorithms developed to predict the effect of missense changes on protein structure and function (SIFT, PolyPhen-2, Align-GVGD) all suggest that this variant is likely to be disruptive, but these predictions have not been confirmed by published functional studies and their clinical significance is uncertain. In summary, the available evidence is currently insufficient to determine the role of this variant in disease. Therefore, it has been classified as a Variant of Uncertain Significance.

NM_000321.3(RB1):c.1474G>A (p.Glu492Lys)

Gene: RB1 (RB transcriptional corepressor 1; plus strand). Cytogenetic location: 13q14.2.
Variant type: single nucleotide variant.
Coding change: c.1474G>A on transcript NM_000321.3 (MANE Select); coding-DNA position 1474, G replaced by A.
Protein change: p.Glu492Lys; replaces glutamic acid 492 with lysine.
Molecular consequence: missense variant.
Genome position (GRCh38, 1-based): chr13:48,380,217, G>A. VCF-style: chr13-48380217-G-A. GRCh37 (hg19) VCF-style: chr13-48954353-G-A.
Other names: short protein forms E492K.
Identifiers: ClinVar variation 410935 (VCV000410935.13), dbSNP rs1060503084, ClinGen allele CA16614015.